The following is an entry in ClinVar:

ClinVar aggregate classification (germline): Pathogenic (1 of 4 stars; one submission).

Allele frequency attached by ClinVar (database versions not stated): gnomAD 0.00001.
gnomAD v4.1: 1 of 1,613,900 alleles (0.000062%); highest among the groups gnomAD compares: Non-Finnish European, 0.000085%; no homozygotes.

Submission:

Labcorp Genetics (formerly Invitae), Labcorp
Classification: Pathogenic. Last evaluated: 2025-09-23. Review status: criteria provided, single submitter. Criteria: Invitae Variant Classification Sherloc (09022015). Collection method: clinical testing. Allele origin: germline.
Comment: This sequence change creates a premature translational stop signal (p.Trp706*) in the COL7A1 gene. It is expected to result in an absent or disrupted protein product. Loss-of-function variants in COL7A1 are known to be pathogenic (PMID: 16971478). This variant is present in population databases (no rsID available, gnomAD 0.007%). This variant has not been reported in the literature in individuals affected with COL7A1-related conditions. ClinVar contains an entry for this variant (Variation ID: 1995022). Algorithms developed to predict the effect of sequence changes on RNA splicing suggest that this variant may disrupt the consensus splice site. For these reasons, this variant has been classified as Pathogenic.

Literature cited by the submitters: PubMed 16971478.

NM_000094.4(COL7A1):c.2117G>A (p.Trp706Ter)

Gene: COL7A1 (collagen type VII alpha 1 chain; minus strand). Cytogenetic location: 3p21.31.
Variant type: single nucleotide variant.
Coding change: c.2117G>A on transcript NM_000094.4 (MANE Select); coding-DNA position 2117, G replaced by A.
Protein change: p.Trp706Ter; replaces tryptophan 706 with a stop codon.
Molecular consequence: nonsense.
Genome position (GRCh38, 1-based): chr3:48,589,652, C>T on the plus strand (G>A on the coding strand, the complement: COL7A1 is on the minus strand). VCF-style: chr3-48589652-C-T. GRCh37 (hg19) VCF-style: chr3-48627085-C-T.
Other names: short protein forms W706*.
Identifiers: ClinVar variation 1995022 (VCV001995022.4), dbSNP rs1422757569, ClinGen allele CA352725480.